The following is an entry in ClinVar:

NM_001366521.1(ATP2B1):c.388C>T (p.Pro130Ser)

Gene: ATP2B1 (ATPase plasma membrane Ca2+ transporting 1; minus strand). Cytogenetic location: 12q21.33.
Variant type: single nucleotide variant.
Coding change: c.388C>T on transcript NM_001366521.1 (MANE Select); coding-DNA position 388, C replaced by T.
Protein change: p.Pro130Ser; replaces proline 130 with serine.
Molecular consequence: missense variant. On other transcripts: non-coding transcript variant (3), intron variant (3).
Genome position (GRCh38, 1-based): chr12:89,642,176, G>A on the plus strand (C>T on the coding strand, the complement: ATP2B1 is on the minus strand). VCF-style: chr12-89642176-G-A. GRCh37 (hg19) VCF-style: chr12-90035953-G-A.
Other names: c.388C>T, p.Pro130Ser (NM_001001323.2, NM_001366520.1, NM_001366522.1 and 23 more transcripts); c.209-6925C>T (NM_001413053.1, NM_001366530.1); c.209-7273C>T (NM_001413057.1); short protein forms P130S.
Identifiers: ClinVar variation 4890689 (VCV004890689.1).

ClinVar aggregate classification (germline): Uncertain significance (1 of 4 stars; one submission).

Conditions:
Intellectual developmental disorder, autosomal dominant 66. Also called: MENTAL RETARDATION, AUTOSOMAL DOMINANT 66. Identifiers: MedGen C5677000, MONDO:0030891, OMIM 619910.

Submission:

Institute of Human Genetics, University of Leipzig Medical Center
Classification: Uncertain significance for Intellectual developmental disorder, autosomal dominant 66. Last evaluated: 2026-07-02. Review status: criteria provided, single submitter. Criteria: ACMG Guidelines, 2015. Collection method: clinical testing. Allele origin: unknown. Inheritance: Autosomal dominant inheritance. Affected: yes.
Comment: Criteria applied: PM2,PP2,PP3